The following is an entry in ClinVar:

NM_003072.5(SMARCA4):c.4553A>G (p.Lys1518Arg)

Gene: SMARCA4 (SWI/SNF related BAF chromatin remodeling complex subunit ATPase 4; plus strand). Cytogenetic location: 19p13.2.
Variant type: single nucleotide variant.
Coding change: c.4553A>G on transcript NM_003072.5 (MANE Select); coding-DNA position 4553, A replaced by G.
Protein change: p.Lys1518Arg; replaces lysine 1518 with arginine.
Molecular consequence: missense variant. On other transcripts: non-coding transcript variant (1).
Genome position (GRCh38, 1-based): chr19:11,058,807, A>G. VCF-style: chr19-11058807-A-G. GRCh37 (hg19) VCF-style: chr19-11169483-A-G.
Other names: c.4553A>G, p.Lys1518Arg (NM_001128844.3); c.4463A>G, p.Lys1488Arg (NM_001128845.2); c.4460A>G, p.Lys1487Arg (NM_001128846.2); c.4454A>G, p.Lys1485Arg (NM_001128847.4, NM_001374457.1); c.4451A>G, p.Lys1484Arg (NM_001128848.2); c.4649A>G, p.Lys1550Arg (NM_001128849.3, NM_001387283.1); c.4649A>G (NM_001128849.1); short protein forms K1484R, K1487R, K1518R, K1550R, K1485R, K1488R.
Identifiers: ClinVar variation 1355652 (VCV001355652.9), dbSNP rs2147097206, ClinGen allele CA404078737.

ClinVar aggregate classification (germline): Uncertain significance. Review status: criteria provided, multiple submitters, no conflicts (2 of 4 stars). 2 submissions from 2 submitters: Uncertain significance (2). Last evaluated 2026-01-13.

Conditions:
Hereditary cancer-predisposing syndrome. Also called: Neoplastic Syndromes, Hereditary; Tumor predisposition; Hereditary neoplastic syndrome; Hereditary Cancer Syndrome. Identifiers: Orphanet 140162, MedGen C0027672, MeSH D009386, MONDO:0015356.
Rhabdoid tumor predisposition syndrome 2 (RTPS2). Identifiers: Orphanet 231108, Orphanet 69077, MedGen C2750074, MONDO:0013224, OMIM 613325.

Submissions (2):

Labcorp Genetics (formerly Invitae), Labcorp
Classification: Uncertain significance for Rhabdoid tumor predisposition syndrome 2. Last evaluated: 2026-01-13. Review status: criteria provided, single submitter. Criteria: Invitae Variant Classification Sherloc (09022015). Collection method: clinical testing. Allele origin: germline.
Comment: This sequence change replaces lysine, which is basic and polar, with arginine, which is basic and polar, at codon 1550 of the SMARCA4 protein (p.Lys1550Arg). This variant is not present in population databases (gnomAD no frequency). This variant has not been reported in the literature in individuals affected with SMARCA4-related conditions. ClinVar contains an entry for this variant (Variation ID: 1355652). Invitae Evidence Modeling of protein sequence and biophysical properties (such as structural, functional, and spatial information, amino acid conservation, physicochemical variation, residue mobility, and thermodynamic stability) indicates that this missense variant is not expected to disrupt SMARCA4 protein function with a negative predictive value of 95%. In summary, the available evidence is currently insufficient to determine the role of this variant in disease. Therefore, it has been classified as a Variant of Uncertain Significance.

Ambry Genetics
Classification: Uncertain significance for Hereditary cancer-predisposing syndrome. Last evaluated: 2025-08-15. Review status: criteria provided, single submitter. Criteria: Ambry Variant Classification Scheme 2023. Collection method: clinical testing. Allele origin: germline.
Comment: The p.K1550R variant (also known as c.4649A>G), located in coding exon 32 of the SMARCA4 gene, results from an A to G substitution at nucleotide position 4649. The lysine at codon 1550 is replaced by arginine, an amino acid with highly similar properties. This amino acid position is conserved. In addition, this alteration is predicted to be tolerated by in silico analysis. Based on the available evidence, the clinical significance of this variant remains unclear.